The following is an entry in ClinVar:

ClinVar aggregate classification (germline): Likely pathogenic (1 of 4 stars; one submission).

Conditions:
Hereditary spastic paraplegia 4. Also called: Spastic Paraplegia 4; Spastic paraplegia 4, autosomal dominant; Familial spastic paraplegia autosomal dominant 2. Identifiers: Orphanet 100985, MedGen C1866855, MONDO:0008438, OMIM 182601.

Submission:

TIDEX, University of British Columbia
Classification: Likely pathogenic for Hereditary spastic paraplegia 4. Last evaluated: 2017-04-12. Review status: criteria provided, single submitter. Criteria: Submitter's publication. Collection method: research. Allele origin: de novo. Inheritance: Autosomal dominant inheritance. Affected: yes.

NM_014946.4(SPAST):c.1477G>T (p.Asp493Tyr)

Gene: SPAST (spastin; plus strand). Cytogenetic location: 2p22.3.
Variant type: single nucleotide variant.
Coding change: c.1477G>T on transcript NM_014946.4 (MANE Select); coding-DNA position 1477, G replaced by T.
Protein change: p.Asp493Tyr; replaces aspartic acid 493 with tyrosine.
Molecular consequence: missense variant.
Genome position (GRCh38, 1-based): chr2:32,137,172, G>T. VCF-style: chr2-32137172-G-T. GRCh37 (hg19) VCF-style: chr2-32362241-G-T.
Other names: c.1474G>T, p.Asp492Tyr (NM_001363823.2); c.1378G>T, p.Asp460Tyr (NM_001363875.2); c.1381G>T, p.Asp461Tyr (NM_001377959.1, NM_199436.2); short protein forms D493Y, D460Y, D461Y, D492Y.
Identifiers: ClinVar variation 417627 (VCV000417627.3), dbSNP rs1060499939, ClinGen allele CA16616712.